The following is an entry in ClinVar:

NM_001081.4(CUBN):c.828A>G (p.Thr276=)

Gene: CUBN (cubilin; minus strand). Cytogenetic location: 10p13.
Variant type: single nucleotide variant.
Coding change: c.828A>G on transcript NM_001081.4 (MANE Select); coding-DNA position 828, A replaced by G.
Protein change: p.Thr276=; no amino-acid change (threonine 276 retained).
Molecular consequence: synonymous variant.
Genome position (GRCh38, 1-based): chr10:17,114,082, T>C on the plus strand (A>G on the coding strand, the complement: CUBN is on the minus strand). VCF-style: chr10-17114082-T-C. GRCh37 (hg19) VCF-style: chr10-17156081-T-C.
Identifiers: ClinVar variation 3055580 (VCV003055580.2), dbSNP rs767919291, ClinGen allele CA468305962.

ClinVar aggregate classification (germline): Likely benign (0 of 4 stars; one submission).

Conditions:
CUBN-related disorder. Also called: CUBN-related condition.

gnomAD v4.1: 1 of 1,613,156 alleles (0.000062%); no homozygotes.

Submission:

PreventionGenetics, part of Exact Sciences
Classification: Likely benign for CUBN-related condition. Last evaluated: 2023-12-26. Review status: no assertion criteria provided. Collection method: clinical testing. Allele origin: germline.
Comment: This variant is classified as likely benign based on ACMG/AMP sequence variant interpretation guidelines (Richards et al. 2015 PMID: 25741868, with internal and published modifications).